The following is an entry in ClinVar:

NM_177438.3(DICER1):c.4327C>T (p.Leu1443=)

Gene: DICER1 (dicer 1, ribonuclease III; minus strand). Cytogenetic location: 14q32.13.
Variant type: single nucleotide variant.
Coding change: c.4327C>T on transcript NM_177438.3 (MANE Select); coding-DNA position 4327, C replaced by T.
Protein change: p.Leu1443=; no amino-acid change (leucine 1443 retained).
Molecular consequence: synonymous variant.
Genome position (GRCh38, 1-based): chr14:95,096,593, G>A on the plus strand (C>T on the coding strand, the complement: DICER1 is on the minus strand). VCF-style: chr14-95096593-G-A. GRCh37 (hg19) VCF-style: chr14-95562930-G-A.
Other names: c.4327C>T, p.Leu1443= (NM_001195573.1, NM_001271282.3, NM_001291628.2 and 1 more transcripts).
Identifiers: ClinVar variation 417096 (VCV000417096.16), dbSNP rs1060504978, ClinGen allele CA16614298.

ClinVar aggregate classification (germline): Conflicting classifications of pathogenicity. Review status: criteria provided, conflicting classifications (1 of 4 stars). 4 submissions from 4 submitters: Uncertain significance (1); Benign (1); Likely benign (2). Last evaluated 2026-08-19.

Conditions:
DICER1-related tumor predisposition. Also called: DICER1-related pleuropulmonary blastoma cancer predisposition syndrome; DICER1 syndrome. Identifiers: Orphanet 284343, MedGen C3839822, MONDO:0100216.
Hereditary cancer-predisposing syndrome. Also called: Hereditary Cancer Syndrome; Hereditary neoplastic syndrome; Neoplastic Syndromes, Hereditary; Tumor predisposition. Identifiers: Orphanet 140162, MedGen C0027672, MeSH D009386, MONDO:0015356.

gnomAD v4.1: 4 of 1,611,780 alleles (0.00025%); highest among the groups gnomAD compares: Non-Finnish European, 0.00025%; no homozygotes.

Submissions (4):

Myriad Genetics, Inc.
Classification: Benign for DICER1-related tumor predisposition. Last evaluated: 2026-08-19. Review status: criteria provided, single submitter. Criteria: Myriad Autosomal Dominant, Autosomal Recessive and X-Linked Classification Criteria (2023). Collection method: clinical testing. Allele origin: unknown.
Comment: This variant is considered benign. This variant is a silent/synonymous amino acid change and it is not expected to impact splicing.

Labcorp Genetics (formerly Invitae), Labcorp
Classification: Likely benign for DICER1-related tumor predisposition. Last evaluated: 2025-09-02. Review status: criteria provided, single submitter. Criteria: Invitae Variant Classification Sherloc (09022015). Collection method: clinical testing. Allele origin: germline.

Quest Diagnostics Nichols Institute San Juan Capistrano
Classification: Uncertain significance. Last evaluated: 2023-04-04. Review status: criteria provided, single submitter. Criteria: Quest Diagnostics criteria. Collection method: clinical testing. Allele origin: unknown.
Comment: To the best of our knowledge, the variant has not been reported in the published literature. It also has not been reported in large, multi-ethnic general populations. Analysis of this variant using software algorithms for the prediction of the effect of nucleotide changes on splicing yielded predictions that this variant does not affect DICER1 mRNA splicing . Based on the available information, we are unable to determine the clinical significance of this variant.

Ambry Genetics
Classification: Likely benign for Hereditary cancer-predisposing syndrome. Last evaluated: 2021-08-04. Review status: criteria provided, single submitter. Criteria: Ambry Variant Classification Scheme 2023. Collection method: clinical testing. Allele origin: germline.